The following is an entry in ClinVar:

NM_001256317.3(TMPRSS3):c.756C>G (p.Ile252Met)

Gene: TMPRSS3 (transmembrane serine protease 3; minus strand). Cytogenetic location: 21q22.3.
Variant type: single nucleotide variant.
Coding change: c.756C>G on transcript NM_001256317.3 (MANE Select); coding-DNA position 756, C replaced by G.
Protein change: p.Ile252Met; replaces isoleucine 252 with methionine.
Molecular consequence: missense variant.
Genome position (GRCh38, 1-based): chr21:42,383,059, G>C on the plus strand (C>G on the coding strand, the complement: TMPRSS3 is on the minus strand). VCF-style: chr21-42383059-G-C. GRCh37 (hg19) VCF-style: chr21-43803168-G-C.
Other names: c.756C>G, p.Ile252Met (NM_024022.4, NM_032405.2); c.375C>G, p.Ile125Met (NM_032404.3); short protein forms I125M, I252M.
Identifiers: ClinVar variation 1717347 (VCV001717347.3), dbSNP rs542121546, ClinGen allele CA321543998.

ClinVar aggregate classification (germline): Uncertain significance (1 of 4 stars; one submission).

Allele frequency attached by ClinVar (database versions not stated): TOPMed below 0.00001; gnomAD 0.00001.
gnomAD v4.1: 2 of 1,614,030 alleles (0.00012%); highest among the groups gnomAD compares: Non-Finnish European, 0.00017%; no homozygotes.

Submission:

Labcorp Genetics (formerly Invitae), Labcorp
Classification: Uncertain significance. Last evaluated: 2022-08-21. Review status: criteria provided, single submitter. Criteria: Invitae Variant Classification Sherloc (09022015). Collection method: clinical testing. Allele origin: germline.
Comment: This sequence change replaces isoleucine, which is neutral and non-polar, with methionine, which is neutral and non-polar, at codon 252 of the TMPRSS3 protein (p.Ile252Met). This variant is not present in population databases (gnomAD no frequency). This variant has not been reported in the literature in individuals affected with TMPRSS3-related conditions. Advanced modeling of protein sequence and biophysical properties (such as structural, functional, and spatial information, amino acid conservation, physicochemical variation, residue mobility, and thermodynamic stability) performed at Invitae indicates that this missense variant is not expected to disrupt TMPRSS3 protein function. In summary, the available evidence is currently insufficient to determine the role of this variant in disease. Therefore, it has been classified as a Variant of Uncertain Significance.